The following is an entry in ClinVar:

ClinVar aggregate classification (germline): Uncertain significance (1 of 4 stars; one submission).

Allele frequency attached by ClinVar (database versions not stated): gnomAD exomes below 0.00001 and 0.00001; TOPMed below 0.00001; ExAC 0.00001.
gnomAD v4.1: 4 of 1,614,222 alleles (0.00025%); highest among the groups gnomAD compares: Admixed American, 0.005%; no homozygotes.

Submission:

GeneDx
Classification: Uncertain significance. Last evaluated: 2019-12-16. Review status: criteria provided, single submitter. Criteria: GeneDx Variant Classification Process June 2021. Collection method: clinical testing. Allele origin: germline. Affected: yes.
Comment: Not observed at a significant frequency in large population cohorts (Lek et al., 2016); In silico analysis, which includes protein predictors and evolutionary conservation, supports that this variant does not alter protein structure/function; Has not been previously published as pathogenic or benign to our knowledge

NM_006949.4(STXBP2):c.338C>T (p.Pro113Leu)

Gene: STXBP2 (syntaxin binding protein 2; plus strand). Cytogenetic location: 19p13.2.
Variant type: single nucleotide variant.
Coding change: c.338C>T on transcript NM_006949.4 (MANE Select); coding-DNA position 338, C replaced by T.
Protein change: p.Pro113Leu; replaces proline 113 with leucine.
Molecular consequence: missense variant. On other transcripts: non-coding transcript variant (1).
Genome position (GRCh38, 1-based): chr19:7,640,912, C>T. VCF-style: chr19-7640912-C-T. GRCh37 (hg19) VCF-style: chr19-7705798-C-T.
Other names: c.329C>T, p.Pro110Leu (NM_001127396.3); c.371C>T, p.Pro124Leu (NM_001272034.2); short protein forms P110L, P113L, P124L.
Identifiers: ClinVar variation 1311056 (VCV001311056.2), dbSNP rs781527730, ClinGen allele CA9143599.
Genomic context (GRCh38, chr19:7,640,912, plus strand): 5'-GGTGTGGGGGCTGCTCTGGCCTGATGCCCCACTCCTGCCTCACCCCAGCCTGCCCCGAGC[C>T]CCTGTTCAGTGAGCTAGGCCGCTCTCGTCTGGCAAAGGTGGTGAAGACGTTGAAGGAGAT-3'
Protein context (NP_008880.2, residues 103-123): HIFFTDTCPE[Pro113Leu]LFSELGRSRL